The following is an entry in ClinVar:

NM_001329943.3(KIAA0586):c.463G>A (p.Ala155Thr)

Gene: KIAA0586 (KIAA0586; plus strand). Cytogenetic location: 14q23.1.
Variant type: single nucleotide variant.
Coding change: c.463G>A on transcript NM_001329943.3 (MANE Select); coding-DNA position 463, G replaced by A.
Protein change: p.Ala155Thr; replaces alanine 155 with threonine.
Molecular consequence: missense variant.
Genome position (GRCh38, 1-based): chr14:58,442,758, G>A. VCF-style: chr14-58442758-G-A. GRCh37 (hg19) VCF-style: chr14-58909476-G-A.
Other names: c.622G>A, p.Ala208Thr (NM_001244189.2); c.418G>A, p.Ala140Thr (NM_001244190.2); c.208G>A, p.Ala70Thr (NM_001244191.2, NM_001329945.2, NM_001364700.1 and 1 more transcripts); c.331G>A, p.Ala111Thr (NM_001244192.2); c.43G>A, p.Ala15Thr (NM_001244193.2); c.463G>A, p.Ala155Thr (NM_001329944.2, NM_001329946.2, NM_001329947.2 and 1 more transcripts); short protein forms A111T, A140T, A155T, A15T, A208T, A70T.
Identifiers: ClinVar variation 3757797 (VCV003757797.2).
Genomic context (GRCh38, chr14:58,442,758, plus strand): 5'-ATTTATAGAGCTCAAAGCATGCCTGTTTTTAAGGAAGTAAAGGTACATCTGTTAGAAGAT[G>A]CAGGCATAGAGAAGGATGCTGTTACTCAGGAGACTAGAATTTCACCCAGTGGAATTGATT-3'
Protein context (NP_001316872.1, residues 145-165): KEVKVHLLED[Ala155Thr]GIEKDAVTQE

ClinVar aggregate classification (germline): Uncertain significance (1 of 4 stars; one submission).

Conditions:
Short-rib thoracic dysplasia 14 with polydactyly (SRTD14). Identifiers: Orphanet 397715, MedGen C4225286, MONDO:0014688, OMIM 616546.
Joubert syndrome 23 (JBTS23). Identifiers: Orphanet 475, MedGen C4084822, MONDO:0014664, OMIM 616490.

gnomAD v4.1: 2 of 1,595,410 alleles (0.00013%); highest among the groups gnomAD compares: African/African-American, 0.0013%; no homozygotes.

Submission:

Labcorp Genetics (formerly Invitae), Labcorp
Classification: Uncertain significance for Joubert syndrome 23; Short-rib thoracic dysplasia 14 with polydactyly. Last evaluated: 2024-08-28. Review status: criteria provided, single submitter. Criteria: Invitae Variant Classification Sherloc (09022015). Collection method: clinical testing. Allele origin: germline.
Comment: This sequence change replaces alanine, which is neutral and non-polar, with threonine, which is neutral and polar, at codon 208 of the KIAA0586 protein (p.Ala208Thr). The frequency data for this variant in the population databases is considered unreliable, as metrics indicate poor data quality at this position in the gnomAD database. This variant has not been reported in the literature in individuals affected with KIAA0586-related conditions. Invitae Evidence Modeling of protein sequence and biophysical properties (such as structural, functional, and spatial information, amino acid conservation, physicochemical variation, residue mobility, and thermodynamic stability) indicates that this missense variant is not expected to disrupt KIAA0586 protein function with a negative predictive value of 80%. In summary, the available evidence is currently insufficient to determine the role of this variant in disease. Therefore, it has been classified as a Variant of Uncertain Significance.